The following is an entry in ClinVar:

ClinVar aggregate classification (germline): Uncertain significance (1 of 4 stars; one submission).

Allele frequency attached by ClinVar (database versions not stated): gnomAD exomes below 0.00001; TOPMed 0.00001.
gnomAD v4.1: 1 of 1,613,030 alleles (0.000062%); highest among the groups gnomAD compares: Non-Finnish European, 0.000085%; no homozygotes.

Submission:

Labcorp Genetics (formerly Invitae), Labcorp
Classification: Uncertain significance. Last evaluated: 2023-11-27. Review status: criteria provided, single submitter. Criteria: Invitae Variant Classification Sherloc (09022015). Collection method: clinical testing. Allele origin: germline.
Comment: This sequence change replaces proline, which is neutral and non-polar, with serine, which is neutral and polar, at codon 437 of the KIZ protein (p.Pro437Ser). This variant is not present in population databases (gnomAD no frequency). This variant has not been reported in the literature in individuals affected with KIZ-related conditions. ClinVar contains an entry for this variant (Variation ID: 1447840). Experimental studies and prediction algorithms are not available or were not evaluated, and the functional significance of this variant is currently unknown. In summary, the available evidence is currently insufficient to determine the role of this variant in disease. Therefore, it has been classified as a Variant of Uncertain Significance.

NM_018474.6(KIZ):c.1309C>T (p.Pro437Ser)

Gene: KIZ (kizuna centrosomal protein; plus strand). Cytogenetic location: 20p11.23.
Variant type: single nucleotide variant.
Coding change: c.1309C>T on transcript NM_018474.6 (MANE Select); coding-DNA position 1309, C replaced by T.
Protein change: p.Pro437Ser; replaces proline 437 with serine.
Molecular consequence: missense variant.
Genome position (GRCh38, 1-based): chr20:21,163,116, C>T. VCF-style: chr20-21163116-C-T. GRCh37 (hg19) VCF-style: chr20-21143757-C-T.
Other names: c.1000C>T, p.Pro334Ser (NM_001163022.3, NM_001352435.2); c.910C>T, p.Pro304Ser (NM_001163023.3); c.1162C>T, p.Pro388Ser (NM_001276389.2); c.1309C>T, p.Pro437Ser (NM_001352434.2); c.967C>T, p.Pro323Ser (NM_001352436.2); short protein forms P437S, P304S, P388S, P334S, P323S.
Identifiers: ClinVar variation 1447840 (VCV001447840.6), dbSNP rs1489059925, ClinGen allele CA408493903.